The following is an entry in ClinVar:

ClinVar aggregate classification (germline): Conflicting classifications of pathogenicity. Review status: criteria provided, conflicting classifications (1 of 4 stars). 3 submissions from 3 submitters: Uncertain significance (2); Likely benign (1). Last evaluated 2026-02-18.

Allele frequency attached by ClinVar (database versions not stated): gnomAD exomes 0.00001 and 0.00003; TOPMed 0.00003; gnomAD 0.00001; ExAC 0.00002.
gnomAD v4.1: 17 of 1,614,042 alleles (0.0011%); highest among the groups gnomAD compares: Admixed American, 0.0083%; no homozygotes.

Submissions (3):

Dasa
Classification: Uncertain significance. Last evaluated: 2026-02-18. Review status: criteria provided, single submitter. Criteria: DASA Assertion Criteria. Collection method: clinical testing. Allele origin: germline.
Comment: NM_001457.4(FLNB):c.3269A>G (p.Asn1090Ser) is a missense variant that results in the substitution of asparagine with serine. This variant is rare in population databases. Computational prediction algorithms are consistent with a deleterious effect. The currently available literature and clinical evidence are not sufficient to establish a definitive association between this variant and the reported condition. Therefore, this variant is classified as a variant of uncertain significance.

Labcorp Genetics (formerly Invitae), Labcorp
Classification: Likely benign. Last evaluated: 2025-10-21. Review status: criteria provided, single submitter. Criteria: Invitae Variant Classification Sherloc (09022015). Collection method: clinical testing. Allele origin: germline.

Laboratorio de Genetica e Diagnostico Molecular, Hospital Israelita Albert Einstein
Classification: Uncertain significance. Last evaluated: 2019-10-25. Review status: criteria provided, single submitter. Criteria: ACMG Guidelines, 2015. Collection method: clinical testing. Allele origin: germline. Affected: yes.
Comment: ACMG classification criteria: PM2

NM_001457.4(FLNB):c.3269A>G (p.Asn1090Ser)

Gene: FLNB (filamin B; plus strand). Cytogenetic location: 3p14.3.
Variant type: single nucleotide variant.
Coding change: c.3269A>G on transcript NM_001457.4 (MANE Select); coding-DNA position 3269, A replaced by G.
Protein change: p.Asn1090Ser; replaces asparagine 1090 with serine.
Molecular consequence: missense variant.
Genome position (GRCh38, 1-based): chr3:58,123,235, A>G. VCF-style: chr3-58123235-A-G. GRCh37 (hg19) VCF-style: chr3-58108962-A-G.
Other names: c.3269A>G, p.Asn1090Ser (NM_001164317.2, NM_001164318.2, NM_001164319.2); short protein forms N1090S.
Identifiers: ClinVar variation 1059515 (VCV001059515.9), dbSNP rs755713308, ClinGen allele CA2468375.